The following is an entry in ClinVar:

ClinVar aggregate classification (germline): Benign/Likely benign. Review status: criteria provided, multiple submitters, no conflicts (2 of 4 stars). 3 submissions from 3 submitters: Benign (1); Likely benign (2). Last evaluated 2025-12-13.

Conditions:
Hereditary cancer-predisposing syndrome. Also called: Hereditary neoplastic syndrome; Hereditary Cancer Syndrome; Tumor predisposition; Neoplastic Syndromes, Hereditary. Identifiers: Orphanet 140162, MedGen C0027672, MeSH D009386, MONDO:0015356.
Familial adenomatous polyposis 1 (FAP1). Also called: FAMILIAL ADENOMATOUS POLYPOSIS 1, ATTENUATED; POLYPOSIS, ADENOMATOUS INTESTINAL. Identifiers: MedGen C2713442, MONDO:0021056, OMIM 175100. Disease mechanism: loss of function.

Submissions (3):

Labcorp Genetics (formerly Invitae), Labcorp
Classification: Likely benign for Familial adenomatous polyposis 1. Last evaluated: 2025-12-13. Review status: criteria provided, single submitter. Criteria: Invitae Variant Classification Sherloc (09022015). Collection method: clinical testing. Allele origin: germline.

Ambry Genetics
Classification: Likely benign for Hereditary cancer-predisposing syndrome. Last evaluated: 2025-05-31. Review status: criteria provided, single submitter. Criteria: Ambry Variant Classification Scheme 2023. Collection method: clinical testing. Allele origin: germline.

Myriad Genetics, Inc.
Classification: Benign for Familial adenomatous polyposis 1. Last evaluated: 2024-04-03. Review status: criteria provided, single submitter. Criteria: Myriad Autosomal Dominant, Autosomal Recessive and X-Linked Classification Criteria (2023). Collection method: clinical testing. Allele origin: unknown.
Comment: This variant is considered benign. This variant is a silent/synonymous amino acid change and it is not expected to impact splicing.

NM_000038.6(APC):c.5905C>T (p.Leu1969=)

Gene: APC (APC regulator of Wnt signaling pathway; plus strand). Cytogenetic location: 5q22.2.
Variant type: single nucleotide variant.
Coding change: c.5905C>T on transcript NM_000038.6 (MANE Select); coding-DNA position 5905, C replaced by T.
Protein change: p.Leu1969=; no amino-acid change (leucine 1969 retained).
Molecular consequence: synonymous variant.
Genome position (GRCh38, 1-based): chr5:112,841,499, C>T. VCF-style: chr5-112841499-C-T. GRCh37 (hg19) VCF-style: chr5-112177196-C-T.
Other names: c.5425C>T, p.Leu1809= (NM_001354905.2); c.5056C>T, p.Leu1686= (NM_001354906.2); c.5905C>T (NM_000038.5); c.5905C>T, p.Leu1969= (NM_001127510.3, NM_001354895.2); c.5851C>T, p.Leu1951= (NM_001127511.3); c.5959C>T, p.Leu1987= (NM_001354896.2); c.5935C>T, p.Leu1979= (NM_001354897.2); c.5830C>T, p.Leu1944= (NM_001354898.2); and 6 more.
Identifiers: ClinVar variation 1135264 (VCV001135264.12), dbSNP rs2149952239, ClinGen allele CA446209936.